The following is an entry in ClinVar:

NC_000004.11:g.(?_5733142)_(5735172_?)del

Gene: EVC (EvC ciliary complex subunit 1; plus strand). Cytogenetic location: 4p16.2.
Variant type: Deletion.
Identifiers: ClinVar variation 1066860 (VCV001066860.3).

ClinVar aggregate classification (germline): Likely pathogenic (1 of 4 stars; one submission).

Conditions:
Curry-Hall syndrome (WAD). Also called: WEYERS ACRODENTAL DYSOSTOSIS. Identifiers: Orphanet 952, MedGen C0457013, MONDO:0008673, OMIM 193530.
Ellis-van Creveld syndrome (EVC). Also called: EVC-Related Ellis-van Creveld Syndrome; EVC2-Related Ellis-van Creveld Syndrome; MESOECTODERMAL DYSPLASIA; Chondroectodermal dysplasia. Identifiers: Orphanet 289, MedGen C0013903, MONDO:0009162, OMIM 225500.

Submission:

Labcorp Genetics (formerly Invitae), Labcorp
Classification: Likely pathogenic for Curry-Hall syndrome; Ellis-van Creveld syndrome. Last evaluated: 2022-04-13. Review status: criteria provided, single submitter. Criteria: Invitae Variant Classification Sherloc (09022015). Collection method: clinical testing. Allele origin: germline.
Comment: This variant is a gross deletion of the genomic region encompassing exon(s) 4-5 of the EVC gene. This variant would be expected to be in-frame, preserving the integrity of the reading frame. A similar copy number variant has been observed in individual(s) with clinical features of Ellis-van Creveld syndrome (Invitae). In summary, the currently available evidence indicates that the variant is pathogenic, but additional data are needed to prove that conclusively. Therefore, this variant has been classified as Likely Pathogenic.